The following is an entry in ClinVar:

NM_017565.4(FAM20A):c.406C>T (p.Arg136Ter)

Gene: FAM20A (FAM20A golgi associated secretory pathway pseudokinase; minus strand). Cytogenetic location: 17q24.2.
Variant type: single nucleotide variant.
Coding change: c.406C>T on transcript NM_017565.4 (MANE Select); coding-DNA position 406, C replaced by T.
Protein change: p.Arg136Ter; replaces arginine 136 with a stop codon.
Molecular consequence: nonsense. On other transcripts: 5 prime UTR variant (1), non-coding transcript variant (1).
Genome position (GRCh38, 1-based): chr17:68,555,742, G>A on the plus strand (C>T on the coding strand, the complement: FAM20A is on the minus strand). VCF-style: chr17-68555742-G-A. GRCh37 (hg19) VCF-style: chr17-66551883-G-A.
Other names: c.-9C>T (NM_001243746.2); short protein forms R136*.
Identifiers: ClinVar variation 30879 (VCV000030879.12), dbSNP rs144411158, ClinGen allele CA129514.

ClinVar aggregate classification (germline): Pathogenic. Review status: criteria provided, multiple submitters, no conflicts (2 of 4 stars). 7 submissions from 7 submitters: Pathogenic (6). 1 of the submissions does not count toward it. Last evaluated 2026-03-01.

Conditions:
FAM20A-related disorder. Also called: FAM20A-related condition.
FAM20A-related disorders.
Amelogenesis imperfecta type 1G (AI1G). Also called: AMELOGENESIS IMPERFECTA, HYPOPLASTIC, WITH NEPHROCALCINOSIS; AMELOGENESIS IMPERFECTA, TYPE IG; AMELOGENESIS IMPERFECTA, HYPOPLASTIC, AND NEPHROCALCINOSIS; Amelogenesis imperfecta hypoplastic type, IG; Amelogenesis imperfecta and nephrocalcinosis; Amelogenesis imperfecta nephrocalcinosis. Identifiers: Orphanet 1031, Orphanet 171836, MedGen C2931783, MONDO:0008771, OMIM 204690. Disease mechanism: loss of function.

Allele frequency attached by ClinVar (database versions not stated): ExAC 0.00004; gnomAD 0.00010; TOPMed 0.00010; ESP Exome Variant Server 0.00015; 1000 Genomes Project 30x 0.00031; 1000 Genomes Project 0.00040.
gnomAD v4.1: 97 of 1,613,968 alleles (0.006%); highest among the groups gnomAD compares: African/African-American, 0.041%; no homozygotes.

Submissions (7):

PreventionGenetics, part of Exact Sciences
Classification: Pathogenic for FAM20A-related condition. Last evaluated: 2026-03-01. Review status: criteria provided, single submitter. Criteria: ACMG Guidelines, 2015. Collection method: clinical testing. Allele origin: germline.
Comment: The FAM20A c.406C>T variant is predicted to result in premature protein termination (p.Arg136*). This variant has been reported in the homozygous or compound heterozygous state in individuals with amelogenesis imperfecta (see, for example: O'Sullivan et al. 2011. PubMed ID: 21549343; Wang et al. 2013. PubMed ID: 23468644; Ding et al. 2024. PubMed ID: 38546520). This variant is reported in 0.040% of alleles in individuals of African descent in gnomAD. Nonsense variants in FAM20A are expected to be pathogenic. This variant is interpreted as pathogenic.

Dasa
Classification: Pathogenic. Last evaluated: 2025-10-08. Review status: criteria provided, single submitter. Criteria: DASA Assertion Criteria. Collection method: clinical testing. Allele origin: germline.
Comment: NM_017565.4(FAM20A):c.406C>T (p.Arg136*) introduces a premature termination codon predicted to result in loss of normal protein function. Loss-of-function is an established mechanism of disease for this gene. This variant has been recurrently observed in affected individuals with related phenotype in a genotype context consistent with recessive disease (PMID: 8597613; PMID: 21549343; PMID: 23434854). The variant is present at low frequency in population datasets. Based on the available data, this variant is classified as pathogenic.

Labcorp Genetics (formerly Invitae), Labcorp
Classification: Pathogenic. Last evaluated: 2023-05-11. Review status: criteria provided, single submitter. Criteria: Invitae Variant Classification Sherloc (09022015). Collection method: clinical testing. Allele origin: germline.
Comment: For these reasons, this variant has been classified as Pathogenic. ClinVar contains an entry for this variant (Variation ID: 30879). This premature translational stop signal has been observed in individual(s) with amelogenesis imperfecta and/or enamel-renal syndrome (PMID: 21549343, 23434854, 28086997). This variant is present in population databases (rs144411158, gnomAD 0.04%). This sequence change creates a premature translational stop signal (p.Arg136*) in the FAM20A gene. It is expected to result in an absent or disrupted protein product. Loss-of-function variants in FAM20A are known to be pathogenic (PMID: 21990045, 23434854).

GeneDx
Classification: Pathogenic. Last evaluated: 2022-09-27. Review status: criteria provided, single submitter. Criteria: GeneDx Variant Classification Process June 2021. Collection method: clinical testing. Allele origin: germline. Affected: yes.
Comment: Nonsense variant predicted to result in protein truncation or nonsense mediated decay in a gene for which loss of function is a known mechanism of disease; This variant is associated with the following publications: (PMID: 28086997, 18597613, 28694781, 23468644, 21549343, 23434854)

Blueprint Genetics
Classification: Pathogenic for FAM20A-related disorders. Last evaluated: 2022-04-13. Review status: criteria provided, single submitter. Criteria: ACMG Guidelines, 2015. Collection method: clinical testing. Allele origin: germline. Affected: yes. Observed: 2 variant alleles.

Fulgent Genetics
Classification: Pathogenic for Amelogenesis imperfecta type 1G. Last evaluated: 2022-02-09. Review status: criteria provided, single submitter. Criteria: ACMG Guidelines, 2015. Collection method: clinical testing. Allele origin: unknown.

OMIM
Classification: Pathogenic for AMELOGENESIS IMPERFECTA, TYPE IG. Last evaluated: 2012-01-01. Review status: no assertion criteria provided. Collection method: literature only. Allele origin: germline. Not counted in ClinVar's aggregate classification.

Literature cited by the submitters: PubMed 8597613 (cited by Dasa); PubMed 21549343 (cited by 3 submitters); PubMed 23434854 (cited by 3 submitters); PubMed 28086997 (cited by Labcorp Genetics (formerly Invitae), Labcorp); PubMed 21990045 (cited by Labcorp Genetics (formerly Invitae), Labcorp); PubMed 18597613 (cited by OMIM).